The following is an entry in ClinVar:

NM_170606.3(KMT2C):c.4448T>A (p.Leu1483Ter)

Gene: KMT2C (lysine methyltransferase 2C; minus strand). Cytogenetic location: 7q36.1.
Variant type: single nucleotide variant.
Coding change: c.4448T>A on transcript NM_170606.3 (MANE Select); coding-DNA position 4448, T replaced by A.
Protein change: p.Leu1483Ter; replaces leucine 1483 with a stop codon.
Molecular consequence: nonsense.
Genome position (GRCh38, 1-based): chr7:152,194,499, A>T on the plus strand (T>A on the coding strand, the complement: KMT2C is on the minus strand). VCF-style: chr7-152194499-A-T. GRCh37 (hg19) VCF-style: chr7-151891584-A-T.
Other names: short protein forms L1483*.
Identifiers: ClinVar variation 5040614 (VCV005040614.1).

ClinVar aggregate classification (germline): Pathogenic (1 of 4 stars; one submission).

Submission:

CeGaT Center for Human Genetics Tuebingen
Classification: Pathogenic. Last evaluated: 2026-08-01. Review status: criteria provided, single submitter. Criteria: CeGaT Center For Human Genetics Tuebingen Variant Classification Criteria Version 2. Collection method: clinical testing. Allele origin: germline. Affected: yes. Observed: 1 variant allele.
Comment: KMT2C: PVS1, PM2, PS2:Supporting